The following is an entry in ClinVar:

NM_000057.4(BLM):c.74T>C (p.Leu25Ser)

Gene: BLM (BLM RecQ like helicase; plus strand). Cytogenetic location: 15q26.1.
Variant type: single nucleotide variant.
Coding change: c.74T>C on transcript NM_000057.4 (MANE Select); coding-DNA position 74, T replaced by C.
Protein change: p.Leu25Ser; replaces leucine 25 with serine.
Molecular consequence: missense variant. On other transcripts: 5 prime UTR variant (1).
Genome position (GRCh38, 1-based): chr15:90,747,466, T>C. VCF-style: chr15-90747466-T-C. GRCh37 (hg19) VCF-style: chr15-91290696-T-C.
Other names: c.74T>C (NM_000057.2, NM_000057.3); c.74T>C, p.Leu25Ser (NM_001287246.2, NM_001287247.2); c.-1218T>C (NM_001287248.2); short protein forms L25S.
Identifiers: ClinVar variation 1019278 (VCV001019278.11), dbSNP rs1895534883, ClinGen allele CA393838961.

ClinVar aggregate classification (germline): Uncertain significance. Review status: criteria provided, multiple submitters, no conflicts (2 of 4 stars). 3 submissions from 3 submitters: Uncertain significance (3). Last evaluated 2024-10-23.

Conditions:
Hereditary cancer-predisposing syndrome. Also called: Tumor predisposition; Neoplastic Syndromes, Hereditary; Hereditary neoplastic syndrome; Hereditary Cancer Syndrome. Identifiers: Orphanet 140162, MedGen C0027672, MeSH D009386, MONDO:0015356.
Bloom syndrome (BLM). Also called: Bloom-Torre-Machacek syndrome. Identifiers: Orphanet 125, MedGen C0005859, MONDO:0008876, OMIM 210900.

Submissions (3):

Quest Diagnostics Nichols Institute San Juan Capistrano
Classification: Uncertain significance. Last evaluated: 2024-10-23. Review status: criteria provided, single submitter. Criteria: Quest Diagnostics criteria. Collection method: clinical testing. Allele origin: unknown.
Comment: The BLM c.74T>C (p.Leu25Ser) variant has not been reported in individuals with BLM-related conditions in the published literature. It also has not been reported in large, multi-ethnic general populations (Genome Aggregation Database). Analysis of this variant using bioinformatics tools for the prediction of the effect of amino acid changes on protein structure and function yielded predictions that this variant is benign. Based on the available information, we are unable to determine the clinical significance of this variant.

Labcorp Genetics (formerly Invitae), Labcorp
Classification: Uncertain significance for Bloom syndrome. Last evaluated: 2024-04-23. Review status: criteria provided, single submitter. Criteria: Invitae Variant Classification Sherloc (09022015). Collection method: clinical testing. Allele origin: germline.
Comment: This sequence change replaces leucine, which is neutral and non-polar, with serine, which is neutral and polar, at codon 25 of the BLM protein (p.Leu25Ser). This variant is not present in population databases (gnomAD no frequency). This variant has not been reported in the literature in individuals affected with BLM-related conditions. ClinVar contains an entry for this variant (Variation ID: 1019278). Algorithms developed to predict the effect of missense changes on protein structure and function output the following: SIFT: "Not Available"; PolyPhen-2: "Benign"; Align-GVGD: "Not Available". The serine amino acid residue is found in multiple mammalian species, which suggests that this missense change does not adversely affect protein function. In summary, the available evidence is currently insufficient to determine the role of this variant in disease. Therefore, it has been classified as a Variant of Uncertain Significance.

Ambry Genetics
Classification: Uncertain significance for Hereditary cancer-predisposing syndrome. Last evaluated: 2023-09-12. Review status: criteria provided, single submitter. Criteria: Ambry Variant Classification Scheme 2023. Collection method: clinical testing. Allele origin: germline.
Comment: The p.L25S variant (also known as c.74T>C), located in coding exon 1 of the BLM gene, results from a T to C substitution at nucleotide position 74. The leucine at codon 25 is replaced by serine, an amino acid with dissimilar properties. This amino acid position is conserved. In addition, this alteration is predicted to be tolerated by in silico analysis. Since supporting evidence is limited at this time, the clinical significance of this alteration remains unclear.